The following is an entry in ClinVar:

NM_000263.4(NAGLU):c.291T>G (p.Cys97Trp)

Gene: NAGLU (N-acetyl-alpha-glucosaminidase; plus strand). Cytogenetic location: 17q21.2.
Variant type: single nucleotide variant.
Coding change: c.291T>G on transcript NM_000263.4 (MANE Select); coding-DNA position 291, T replaced by G.
Protein change: p.Cys97Trp; replaces cysteine 97 with tryptophan.
Molecular consequence: missense variant.
Genome position (GRCh38, 1-based): chr17:42,536,563, T>G. VCF-style: chr17-42536563-T-G. GRCh37 (hg19) VCF-style: chr17-40688581-T-G.
Other names: p.Cys97Trp; short protein forms C97W.
Identifiers: ClinVar variation 973593 (VCV000973593.7), dbSNP rs2092906798, ClinGen allele CA399595988.

ClinVar aggregate classification (germline): Pathogenic/Likely pathogenic. Review status: criteria provided, multiple submitters, no conflicts (2 of 4 stars). 4 submissions from 4 submitters: Pathogenic (2); Likely pathogenic (2). Last evaluated 2025-01-14.

Conditions:
Mucopolysaccharidosistype IIIB.
Mucopolysaccharidosis, MPS-III-B (MPS3B). Also called: MPS IIIB (Sanfilippo Syndrome Type B); MUCOPOLYSACCHARIDOSIS, TYPE IIIB; Mucopolysaccharidosis type IIIB (Sanfilippo B); N-ACETYL-ALPHA-D-GLUCOSAMINIDASE DEFICIENCY; NAGLU DEFICIENCY; SANFILIPPO SYNDROME B. Identifiers: Orphanet 79270, MedGen C0086648, MONDO:0009656, OMIM 252920.
Charcot-Marie-Tooth disease axonal type 2V. Also called: CHARCOT-MARIE-TOOTH NEUROPATHY, TYPE 2V; CHARCOT-MARIE-TOOTH DISEASE, AXONAL, AUTOSOMAL DOMINANT, TYPE 2V. Identifiers: Orphanet 447964, MedGen C5569050, MONDO:0014665, OMIM 616491.

Allele frequency attached by ClinVar (database versions not stated): gnomAD exomes below 0.00001.
gnomAD v4.1: 1 of 1,479,678 alleles (0.000068%); highest among the groups gnomAD compares: South Asian, 0.0013%; no homozygotes.

Submissions (4):

Women's Health and Genetics/Laboratory Corporation of America, LabCorp
Classification: Likely pathogenic for Mucopolysaccharidosis, MPS-III-B. Last evaluated: 2025-01-14. Review status: criteria provided, single submitter. Criteria: LabCorp Variant Classification Summary - May 2015. Collection method: clinical testing. Allele origin: germline.
Comment: Variant summary: NAGLU c.291T>G (p.Cys97Trp) results in a non-conservative amino acid change located in the Alpha-N-acetylglucosaminidase (NAGLU) N-terminal domain of the encoded protein sequence. Five of five in-silico tools predict a damaging effect of the variant on protein function. The frequency data for this variant in gnomAD is considered unreliable, as metrics indicate poor data quality at this position. c.291T>G has been reported in the literature in at-least one homozygous individual affected with Mucopolysaccharidosis Type IIIB (Sanfilippo Syndrome B) with a confirmed biochemical test (example: Cheema_2020). These data indicate that the variant may be associated with disease. The following publication has been ascertained in the context of this evaluation (PMID: 33083013). ClinVar contains an entry for this variant (Variation ID: 973593). Based on the evidence outlined above, the variant was classified as likely pathogenic.

Labcorp Genetics (formerly Invitae), Labcorp
Classification: Likely pathogenic for Charcot-Marie-Tooth disease axonal type 2V; Mucopolysaccharidosis, MPS-III-B. Last evaluated: 2024-01-27. Review status: criteria provided, single submitter. Criteria: Invitae Variant Classification Sherloc (09022015). Collection method: clinical testing. Allele origin: germline.
Comment: This sequence change replaces cysteine, which is neutral and slightly polar, with tryptophan, which is neutral and slightly polar, at codon 97 of the NAGLU protein (p.Cys97Trp). This variant is not present in population databases (gnomAD no frequency). This missense change has been observed in individual(s) with Mucopolysaccharidosis (PMID: 33083013). ClinVar contains an entry for this variant (Variation ID: 973593). Advanced modeling of protein sequence and biophysical properties (such as structural, functional, and spatial information, amino acid conservation, physicochemical variation, residue mobility, and thermodynamic stability) performed at Invitae indicates that this missense variant is expected to disrupt NAGLU protein function with a positive predictive value of 95%. In summary, the currently available evidence indicates that the variant is pathogenic, but additional data are needed to prove that conclusively. Therefore, this variant has been classified as Likely Pathogenic.

Foundation for Research in Genetics and Endocrinology, FRIGE's Institute of Human Genetics
Classification: Pathogenic for Mucopolysaccharidosis, MPS-III-B. Last evaluated: 2023-10-27. Review status: criteria provided, single submitter. Criteria: ACMG Guidelines, 2015. Collection method: clinical testing. Allele origin: germline. Inheritance: Autosomal recessive inheritance. Affected: yes. Observed: 1 compound heterozygote.
Comment: A Heterozygous variation in exon 1 of the NAGLU gene that results in the amino acid substitution of Tryptophan for Cysteine at codon 97 was detected. The observed variant c.291T>G(p.Cys97Trp) has not been reported in the 1000 genomes and gnomAD databases. The in silico prediction of the variant is disease causing by MutationTaster, FATHMM, DANN, MetaLR and PrimateAI. In summary, the variant meets our criteria to be classified as pathogenic.

CENTOGENE GmbH and LLC - Guiding Precision Medicine
Classification: Pathogenic for Mucopolysaccharidosistype IIIB. Review status: criteria provided, single submitter. Criteria: ACMG Guidelines, 2015. Collection method: clinical testing. Allele origin: germline. Affected: yes.

Literature cited by the submitters: PubMed 33083013 (cited by Women's Health and Genetics/Laboratory Corporation of America, LabCorp and Labcorp Genetics (formerly Invitae), Labcorp).